The following is an entry in ClinVar:

NM_014875.3(KIF14):c.3466-9T>A

Gene: KIF14 (kinesin family member 14; minus strand). Cytogenetic location: 1q32.1.
Variant type: single nucleotide variant.
Coding change: c.3466-9T>A on transcript NM_014875.3 (MANE Select); 9 bases into the intron before coding-DNA position 3466, T replaced by A.
Molecular consequence: intron variant.
Genome position (GRCh38, 1-based): chr1:200,575,700, A>T on the plus strand (T>A on the coding strand, the complement: KIF14 is on the minus strand). VCF-style: chr1-200575700-A-T. GRCh37 (hg19) VCF-style: chr1-200544828-A-T.
Other names: c.1993-9T>A (NM_001305792.1); c.3466-9T>A (NM_014875.2).
Identifiers: ClinVar variation 2071268 (VCV002071268.6), dbSNP rs182631558, ClinGen allele CA1317250.

ClinVar aggregate classification (germline): Likely benign. Review status: criteria provided, single submitter (1 of 4 stars). 2 submissions from 2 submitters: Likely benign (1). 1 of the submissions does not count toward it. Last evaluated 2025-11-17.

Conditions:
KIF14-related disorder. Also called: KIF14-related condition.

Allele frequency attached by ClinVar (database versions not stated): gnomAD exomes 0.00002; gnomAD 0.00008; TOPMed 0.00009; ExAC 0.00011; 1000 Genomes Project 30x 0.00016; 1000 Genomes Project 0.00020.
gnomAD v4.1: 33 of 1,436,892 alleles (0.0023%); highest among the groups gnomAD compares: Admixed American, 0.06%; no homozygotes.

Submissions (2):

Labcorp Genetics (formerly Invitae), Labcorp
Classification: Likely benign. Last evaluated: 2025-11-17. Review status: criteria provided, single submitter. Criteria: Invitae Variant Classification Sherloc (09022015). Collection method: clinical testing. Allele origin: germline.

PreventionGenetics, part of Exact Sciences
Classification: Likely benign for KIF14-related condition. Last evaluated: 2019-10-28. Review status: no assertion criteria provided. Collection method: clinical testing. Allele origin: germline. Not counted in ClinVar's aggregate classification.
Comment: This variant is classified as likely benign based on ACMG/AMP sequence variant interpretation guidelines (Richards et al. 2015 PMID: 25741868, with internal and published modifications).